The following is an entry in ClinVar:

NM_005876.5(SPEG):c.658G>T (p.Ala220Ser)

Gene: SPEG (striated muscle enriched protein kinase; plus strand). Cytogenetic location: 2q35.
Variant type: single nucleotide variant.
Coding change: c.658G>T on transcript NM_005876.5 (MANE Select); coding-DNA position 658, G replaced by T.
Protein change: p.Ala220Ser; replaces alanine 220 with serine.
Molecular consequence: missense variant.
Genome position (GRCh38, 1-based): chr2:219,445,004, G>T. VCF-style: chr2-219445004-G-T. GRCh37 (hg19) VCF-style: chr2-220309726-G-T.
Other names: short protein forms A220S.
Identifiers: ClinVar variation 2251403 (VCV002251403.3), dbSNP rs771806971, ClinGen allele CA66001861.

ClinVar aggregate classification (germline): Uncertain significance. Review status: criteria provided, multiple submitters, no conflicts (2 of 4 stars). 2 submissions from 2 submitters: Uncertain significance (2). Last evaluated 2025-06-22.

Conditions:
Inborn genetic diseases. Identifiers: MedGen C0950123, MeSH D030342.

Allele frequency attached by ClinVar (database versions not stated): TOPMed 0.00001.

Submissions (2):

Labcorp Genetics (formerly Invitae), Labcorp
Classification: Uncertain significance. Last evaluated: 2025-06-22. Review status: criteria provided, single submitter. Criteria: Invitae Variant Classification Sherloc (09022015). Collection method: clinical testing. Allele origin: germline.
Comment: This sequence change replaces alanine, which is neutral and non-polar, with serine, which is neutral and polar, at codon 220 of the SPEG protein (p.Ala220Ser). This variant is not present in population databases (gnomAD no frequency). This variant has not been reported in the literature in individuals affected with SPEG-related conditions. ClinVar contains an entry for this variant (Variation ID: 2251403). An algorithm developed to predict the effect of missense changes on protein structure and function (PolyPhen-2) suggests that this variant is likely to be tolerated. In summary, the available evidence is currently insufficient to determine the role of this variant in disease. Therefore, it has been classified as a Variant of Uncertain Significance.

Ambry Genetics
Classification: Uncertain significance for Inborn genetic diseases. Last evaluated: 2021-09-17. Review status: criteria provided, single submitter. Criteria: Ambry Variant Classification Scheme 2023. Collection method: clinical testing. Allele origin: germline.